The following is an entry in ClinVar:

ClinVar aggregate classification (germline): Uncertain significance. Review status: criteria provided, multiple submitters, no conflicts (2 of 4 stars). 2 submissions from 2 submitters: Uncertain significance (2). Last evaluated 2026-01-08.

Conditions:
Rubinstein-Taybi syndrome due to CREBBP mutations (RSTS1). Also called: RUBINSTEIN-TAYBI SYNDROME 1, INCOMPLETE; BROAD THUMB-HALLUX SYNDROME; CREBBP-Related Rubinstein-Taybi Syndrome; Rubinstein-Taybi syndrome 1; RUBINSTEIN SYNDROME; BROAD THUMBS AND GREAT TOES, CHARACTERISTIC FACIES, AND IMPAIRED INTELLECTUAL DEVELOPMENT. Identifiers: Orphanet 353277, Orphanet 783, MedGen C4551859, MONDO:0008393, OMIM 180849.
Menke-Hennekam syndrome 1 (MKHK1). Identifiers: MedGen C5193034, MONDO:0020763, OMIM 618332.

gnomAD v4.1: 7 of 1,612,894 alleles (0.00043%); highest among the groups gnomAD compares: East Asian, 0.0045%; no homozygotes.

Submissions (2):

Dasa
Classification: Uncertain significance. Last evaluated: 2026-01-08. Review status: criteria provided, single submitter. Criteria: DASA Assertion Criteria. Collection method: clinical testing. Allele origin: germline.
Comment: NM_004380.3(CREBBP):c.2879C>T (p.Pro960Leu) is a missense variant that results in the substitution of proline with leucine. This variant is rare in population databases. Computational prediction algorithms are consistent with a deleterious effect. The currently available literature and clinical evidence are not sufficient to establish a definitive association between this variant and the reported condition. Therefore, this variant is classified as a variant of uncertain significance.

Fulgent Genetics
Classification: Uncertain significance for Rubinstein-Taybi syndrome due to CREBBP mutations; Menke-Hennekam syndrome 1. Last evaluated: 2024-04-26. Review status: criteria provided, single submitter. Criteria: ACMG Guidelines, 2015. Collection method: clinical testing. Allele origin: germline.

NM_004380.3(CREBBP):c.2879C>T (p.Pro960Leu)

Gene: CREBBP (CREB binding lysine acetyltransferase; minus strand). Cytogenetic location: 16p13.3.
Variant type: single nucleotide variant.
Coding change: c.2879C>T on transcript NM_004380.3 (MANE Select); coding-DNA position 2879, C replaced by T.
Protein change: p.Pro960Leu; replaces proline 960 with leucine.
Molecular consequence: missense variant.
Genome position (GRCh38, 1-based): chr16:3,770,571, G>A on the plus strand (C>T on the coding strand, the complement: CREBBP is on the minus strand). VCF-style: chr16-3770571-G-A. GRCh37 (hg19) VCF-style: chr16-3820572-G-A.
Other names: c.2765C>T, p.Pro922Leu (NM_001079846.1); short protein forms P922L, P960L.
Identifiers: ClinVar variation 3580633 (VCV003580633.3).
Genomic context (GRCh38, chr16:3,770,571, plus strand): 5'-ATGGGAAAATTATCTTCTAAGAGTCTTGGCCCAAAAACAGCAGAGACAGAGAGGCTTACC[G>A]GTGTGCCAGGAGGCTGGGCGTGCACAGGCGTCGGCTGTTGCTGCGATGACTGAGGGGTAG-3'
Protein context (NP_004371.2, residues 950-970): TPVHAQPPGT[Pro960Leu]LSQAAASIDN